The following is an entry in ClinVar:

NM_005732.4(RAD50):c.2404C>T (p.Leu802Phe)

Gene: RAD50 (RAD50 double strand break repair protein; plus strand). Cytogenetic location: 5q31.1.
Variant type: single nucleotide variant.
Coding change: c.2404C>T on transcript NM_005732.4 (MANE Select); coding-DNA position 2404, C replaced by T.
Protein change: p.Leu802Phe; replaces leucine 802 with phenylalanine.
Molecular consequence: missense variant.
Genome position (GRCh38, 1-based): chr5:132,603,926, C>T. VCF-style: chr5-132603926-C-T. GRCh37 (hg19) VCF-style: chr5-131939618-C-T.
Other names: short protein forms L802F.
Identifiers: ClinVar variation 1790775 (VCV001790775.8), dbSNP rs752214704, ClinGen allele CA3405391.
Genomic context (GRCh38, chr5:132,603,926, plus strand): 5'-TTTTGAATAATGCAGTAAGTTTATTAAAGGAAATCATTTTGTTATATTCTTAAGATGGAA[C>T]TTAAAGATGTTGAAAGAAAAATTGCACAACAAGCAGCTAAGCTACAAGGAATAGACTTAG-3'
Protein context (NP_005723.2, residues 792-812): VTIMERFQME[Leu802Phe]KDVERKIAQQ

ClinVar aggregate classification (germline): Uncertain significance. Review status: criteria provided, multiple submitters, no conflicts (2 of 4 stars). 2 submissions from 2 submitters: Uncertain significance (2). Last evaluated 2025-12-20.

Conditions:
Hereditary cancer-predisposing syndrome. Also called: Tumor predisposition; Hereditary Cancer Syndrome; Hereditary neoplastic syndrome; Neoplastic Syndromes, Hereditary. Identifiers: Orphanet 140162, MedGen C0027672, MeSH D009386, MONDO:0015356.

Allele frequency attached by ClinVar (database versions not stated): gnomAD exomes below 0.00001; ExAC 0.00001.

Submissions (2):

Ambry Genetics
Classification: Uncertain significance for Hereditary cancer-predisposing syndrome. Last evaluated: 2025-12-20. Review status: criteria provided, single submitter. Criteria: Ambry Variant Classification Scheme 2023. Collection method: clinical testing. Allele origin: germline.
Comment: The p.L802F variant (also known as c.2404C>T), located in coding exon 15 of the RAD50 gene, results from a C to T substitution at nucleotide position 2404. The leucine at codon 802 is replaced by phenylalanine, an amino acid with highly similar properties. This amino acid position is highly conserved in available vertebrate species. In addition, the in silico prediction for this alteration is inconclusive. Since supporting evidence is limited at this time, the clinical significance of this alteration remains unclear.

Labcorp Genetics (formerly Invitae), Labcorp
Classification: Uncertain significance for Hereditary cancer-predisposing syndrome. Last evaluated: 2023-05-24. Review status: criteria provided, single submitter. Criteria: Invitae Variant Classification Sherloc (09022015). Collection method: clinical testing. Allele origin: germline.
Comment: ClinVar contains an entry for this variant (Variation ID: 1790775). This variant has not been reported in the literature in individuals affected with RAD50-related conditions. This variant is present in population databases (rs752214704, gnomAD no frequency). This sequence change replaces leucine, which is neutral and non-polar, with phenylalanine, which is neutral and non-polar, at codon 802 of the RAD50 protein (p.Leu802Phe). Advanced modeling of protein sequence and biophysical properties (such as structural, functional, and spatial information, amino acid conservation, physicochemical variation, residue mobility, and thermodynamic stability) performed at Invitae indicates that this missense variant is expected to disrupt RAD50 protein function. In summary, the available evidence is currently insufficient to determine the role of this variant in disease. Therefore, it has been classified as a Variant of Uncertain Significance.